The following is an entry in ClinVar:

NM_001270.4(CHD1):c.4958A>G (p.Lys1653Arg)

Gene: CHD1 (chromodomain helicase DNA binding protein 1; minus strand). Cytogenetic location: 5q15.
Variant type: single nucleotide variant.
Coding change: c.4958A>G on transcript NM_001270.4 (MANE Select); coding-DNA position 4958, A replaced by G.
Protein change: p.Lys1653Arg; replaces lysine 1653 with arginine.
Molecular consequence: missense variant. On other transcripts: non-coding transcript variant (2).
Genome position (GRCh38, 1-based): chr5:98,856,555, T>C on the plus strand (A>G on the coding strand, the complement: CHD1 is on the minus strand). VCF-style: chr5-98856555-T-C. GRCh37 (hg19) VCF-style: chr5-98192259-T-C.
Other names: c.5222A>G, p.Lys1741Arg (NM_001364113.3); c.4958A>G, p.Lys1653Arg (NM_001376194.2); short protein forms K1741R, K1653R.
Identifiers: ClinVar variation 3144084 (VCV003144084.2), dbSNP rs749154860, ClinGen allele CA360514850.
Genomic context (GRCh38, chr5:98,856,555, plus strand): 5'-CTGCTGGAAGCTCTGTGGTCCATTTGCCAGTCTGAGTGATACCTATAATCCCTGGAAGAT[T>C]TATGGTGCGTATATTCAGAACTTGACCGGTGGTCTGAATGTAACCGATGATCTGAGTGAG-3'
Protein context (NP_001261.2, residues 1643-1663): HRSSSEYTHH[Lys1653Arg]SSRDYRYHSD

ClinVar aggregate classification (germline): Uncertain significance. Review status: criteria provided, multiple submitters, no conflicts (2 of 4 stars). 2 submissions from 2 submitters: Uncertain significance (2). Last evaluated 2024-12-19.

Conditions:
CHD1-related disorder. Also called: CHD1-related condition.

gnomAD v4.1: 1 of 1,613,842 alleles (0.000062%); highest among the groups gnomAD compares: Non-Finnish European, 0.000085%; no homozygotes.

Submissions (2):

PreventionGenetics, part of Exact Sciences
Classification: Uncertain significance for CHD1-related condition. Last evaluated: 2024-12-19. Review status: criteria provided, single submitter. Criteria: ACMG Guidelines, 2015. Collection method: clinical testing. Allele origin: germline.
Comment: The CHD1 c.4958A>G variant is predicted to result in the amino acid substitution p.Lys1653Arg. To our knowledge, this variant has not been reported in the literature or in a large population database (gnomAD), indicating this variant is rare. At this time, the clinical significance of this variant is uncertain due to the absence of conclusive functional and genetic evidence.

Ambry Genetics
Classification: Uncertain significance. Last evaluated: 2023-12-22. Review status: criteria provided, single submitter. Criteria: Ambry Variant Classification Scheme 2023. Collection method: clinical testing. Allele origin: germline.